The following is an entry in ClinVar:

ClinVar aggregate classification (germline): Uncertain significance. Review status: criteria provided, multiple submitters, no conflicts (2 of 4 stars). 2 submissions from 2 submitters: Uncertain significance (2). Last evaluated 2023-03-22.

Conditions:
Hypertrophic cardiomyopathy. Also called: HYPERTROPHIC MYOCARDIOPATHY. Identifiers: Orphanet 217569, MedGen C0007194, MeSH D002312, MONDO:0005045, HP:0001639.

Submissions (2):

Labcorp Genetics (formerly Invitae), Labcorp
Classification: Uncertain significance for Hypertrophic cardiomyopathy. Last evaluated: 2023-03-22. Review status: criteria provided, single submitter. Criteria: Invitae Variant Classification Sherloc (09022015). Collection method: clinical testing. Allele origin: germline.
Comment: This sequence change replaces asparagine, which is neutral and polar, with lysine, which is basic and polar, at codon 187 of the MYH7 protein (p.Asn187Lys). This variant is not present in population databases (gnomAD no frequency). This variant has not been reported in the literature in individuals affected with MYH7-related conditions. ClinVar contains an entry for this variant (Variation ID: 372428). Advanced modeling of protein sequence and biophysical properties (such as structural, functional, and spatial information, amino acid conservation, physicochemical variation, residue mobility, and thermodynamic stability) performed at Invitae indicates that this missense variant is expected to disrupt MYH7 protein function. In summary, the available evidence is currently insufficient to determine the role of this variant in disease. Therefore, it has been classified as a Variant of Uncertain Significance.

GeneDx
Classification: Uncertain significance. Last evaluated: 2017-08-31. Review status: criteria provided, single submitter. Criteria: GeneDx Variant Classification (06012015). Collection method: clinical testing. Allele origin: germline. Affected: yes.
Comment: A variant of uncertain significance has been identified in the MYH7 gene. The N187K variant in the MYH7 gene has been reported in association with HCM, however no clinical information was provided and segregation studies were not performed (Rayment et al., 1995). The N187K variant was not observed in approximately 6,500 individuals of European and African American ancestry in the NHLBI Exome Sequencing Project, indicating it is not a common benign variant in these populations. The N187K variant is a semi-conservative amino acid substitution, which may impact secondary protein structure as these residues differ in some properties. This substitution occurs at a position that is conserved across species. Finally, in silico analysis predicts this variant is probably damaging to the protein structure/function. However, based on the currently available information, it is unclear whether this variant is pathogenic or rare benign.

NM_000257.4(MYH7):c.561C>G (p.Asn187Lys)

Gene: MYH7 (myosin heavy chain 7; minus strand). Cytogenetic location: 14q11.2.
Variant type: single nucleotide variant.
Coding change: c.561C>G on transcript NM_000257.4 (MANE Select); coding-DNA position 561, C replaced by G.
Protein change: p.Asn187Lys; replaces asparagine 187 with lysine.
Molecular consequence: missense variant.
Genome position (GRCh38, 1-based): chr14:23,431,839, G>C on the plus strand (C>G on the coding strand, the complement: MYH7 is on the minus strand). VCF-style: chr14-23431839-G-C. GRCh37 (hg19) VCF-style: chr14-23901048-G-C.
Other names: c.561C>G (LRG_384t1); short protein forms N187K.
Identifiers: ClinVar variation 372428 (VCV000372428.5), dbSNP rs1057517772, ClinGen allele CA16042879.
Genomic context (GRCh38, chr14:23,431,839, plus strand): 5'-CTTCTTGCTGCGGTCCCCAATGGCTGCAATAACAGCAAAGTACTGGATGACCCTCTTGGT[G>C]TTGACTGTCTTCCCTGCTCCGGATTCTCCGCTGTGAAGACAGGGGCTTATTGGGCAGTGA-3'
Protein context (NP_000248.2, residues 177-197): TGESGAGKTV[Asn187Lys]TKRVIQYFAV